The following is an entry in ClinVar:

NM_002880.4(RAF1):c.594T>C (p.Asn198=)

Gene: RAF1 (Raf-1 proto-oncogene, serine/threonine kinase; minus strand). Cytogenetic location: 3p25.2.
Variant type: single nucleotide variant.
Coding change: c.594T>C on transcript NM_002880.4 (MANE Select); coding-DNA position 594, T replaced by C.
Protein change: p.Asn198=; no amino-acid change (asparagine 198 retained).
Molecular consequence: synonymous variant. On other transcripts: non-coding transcript variant (3), intron variant (2).
Genome position (GRCh38, 1-based): chr3:12,606,287, A>G on the plus strand (T>C on the coding strand, the complement: RAF1 is on the minus strand). VCF-style: chr3-12606287-A-G. GRCh37 (hg19) VCF-style: chr3-12647786-A-G.
Other names: c.594T>C, p.Asn198= (NM_001354689.3, NM_001354690.3); c.351T>C, p.Asn117= (NM_001354691.3, NM_001354692.3, NM_001354694.3); c.339-1998T>C (NM_001354695.3); c.582-1998T>C (NM_001354693.3).
Identifiers: ClinVar variation 3031947 (VCV003031947.2), dbSNP rs2470358238, ClinGen allele CA432274832.

ClinVar aggregate classification (germline): Likely benign (0 of 4 stars; one submission).

Conditions:
RAF1-related disorder. Also called: RAF1-related condition; RAF1-related disorders.

Submission:

PreventionGenetics, part of Exact Sciences
Classification: Likely benign for RAF1-related condition. Last evaluated: 2020-09-22. Review status: no assertion criteria provided. Collection method: clinical testing. Allele origin: germline.
Comment: This variant is classified as likely benign based on ACMG/AMP sequence variant interpretation guidelines (Richards et al. 2015 PMID: 25741868, with internal and published modifications).